The following is an entry in ClinVar:

ClinVar aggregate classification (germline): Uncertain significance (1 of 4 stars; one submission).

Conditions:
Inborn genetic diseases. Identifiers: MedGen C0950123, MeSH D030342.

Allele frequency attached by ClinVar (database versions not stated): ExAC 0.00001; gnomAD 0.00004; TOPMed 0.00004; gnomAD exomes 0.00005.
gnomAD v4.1: 81 of 1,614,010 alleles (0.005%); highest among the groups gnomAD compares: Admixed American, 0.013%; no homozygotes.

Submission:

Ambry Genetics
Classification: Uncertain significance for Inborn genetic diseases. Last evaluated: 2022-08-03. Review status: criteria provided, single submitter. Criteria: Ambry Variant Classification Scheme 2023. Collection method: clinical testing. Allele origin: germline.
Comment: Unlikely to be causative of Nonautoimmune hyperthyroidism (AD). Based on insufficient or conflicting evidence, the clinical significance of this alteration remains unclear.

Literature cited by the submitters: PubMed 22876533.

NM_000369.5(TSHR):c.1592G>A (p.Arg531Gln)

Genes: TSHR (thyroid stimulating hormone receptor; plus strand), TSHR-AS1 (TSHR antisense RNA 1; minus strand). Cytogenetic location: 14q31.1.
Variant type: single nucleotide variant.
Coding change: c.1592G>A on transcript NM_000369.5 (MANE Select); coding-DNA position 1592, G replaced by A.
Protein change: p.Arg531Gln; replaces arginine 531 with glutamine.
Molecular consequence: missense variant.
Genome position (GRCh38, 1-based): chr14:81,143,650, G>A. VCF-style: chr14-81143650-G-A. GRCh37 (hg19) VCF-style: chr14-81609994-G-A.
Other names: short protein forms R531Q.
Identifiers: ClinVar variation 2352513 (VCV002352513.2), dbSNP rs750198847, ClinGen allele CA7294495.